The following is an entry in ClinVar:

ClinVar aggregate classification (germline): Uncertain significance (1 of 4 stars; one submission).

Conditions:
Hereditary cancer-predisposing syndrome. Also called: Hereditary Cancer Syndrome; Hereditary neoplastic syndrome; Neoplastic Syndromes, Hereditary; Tumor predisposition. Identifiers: Orphanet 140162, MedGen C0027672, MeSH D009386, MONDO:0015356.

Submission:

Ambry Genetics
Classification: Uncertain significance for Hereditary cancer-predisposing syndrome. Last evaluated: 2021-05-08. Review status: criteria provided, single submitter. Criteria: Ambry Variant Classification Scheme 2023. Collection method: clinical testing. Allele origin: germline.
Comment: The p.W32C variant (also known as c.96G>C), located in coding exon 1 of the DICER1 gene, results from a G to C substitution at nucleotide position 96. The tryptophan at codon 32 is replaced by cysteine, an amino acid with highly dissimilar properties. This amino acid position is highly conserved in available vertebrate species. In addition, this alteration is predicted to be deleterious by in silico analysis. Since supporting evidence is limited at this time, the clinical significance of this alteration remains unclear.

NM_177438.3(DICER1):c.96G>C (p.Trp32Cys)

Gene: DICER1 (dicer 1, ribonuclease III; minus strand). Cytogenetic location: 14q32.13.
Variant type: single nucleotide variant.
Coding change: c.96G>C on transcript NM_177438.3 (MANE Select); coding-DNA position 96, G replaced by C.
Protein change: p.Trp32Cys; replaces tryptophan 32 with cysteine.
Molecular consequence: missense variant. On other transcripts: 5 prime UTR variant (8), non-coding transcript variant (6), intron variant (1).
Genome position (GRCh38, 1-based): chr14:95,133,363, C>G on the plus strand (G>C on the coding strand, the complement: DICER1 is on the minus strand). VCF-style: chr14-95133363-C-G. GRCh37 (hg19) VCF-style: chr14-95599700-C-G.
Other names: c.96G>C, p.Trp32Cys (NM_001195573.1, NM_001271282.3, NM_001291628.2 and 15 more transcripts); c.-179G>C (NM_001395686.1, NM_001395688.1, NM_001395689.1 and 3 more transcripts); c.-363G>C (NM_001395691.1); c.-1473G>C (NM_001395697.1); c.-130-686G>C (NM_001395687.1); short protein forms W32C.
Identifiers: ClinVar variation 1767906 (VCV001767906.2), dbSNP rs1894119538, ClinGen allele CA390890485.